The following is an entry in ClinVar:

NM_001855.5(COL15A1):c.1933C>T (p.Pro645Ser)

Gene: COL15A1 (collagen type XV alpha 1 chain; plus strand). Cytogenetic location: 9q22.33.
Variant type: single nucleotide variant.
Coding change: c.1933C>T on transcript NM_001855.5 (MANE Select); coding-DNA position 1933, C replaced by T.
Protein change: p.Pro645Ser; replaces proline 645 with serine.
Molecular consequence: missense variant.
Genome position (GRCh38, 1-based): chr9:99,024,952, C>T. VCF-style: chr9-99024952-C-T. GRCh37 (hg19) VCF-style: chr9-101787234-C-T.
Other names: short protein forms P645S.
Identifiers: ClinVar variation 3052964 (VCV003052964.2), dbSNP rs115739281, ClinGen allele CA5155114.

ClinVar aggregate classification (germline): Benign (0 of 4 stars; one submission).

Conditions:
COL15A1-related disorder. Also called: COL15A1-related condition.

Allele frequency attached by ClinVar (database versions not stated): gnomAD exomes 0.00040; ExAC 0.00125; 1000 Genomes Project 0.00339; 1000 Genomes Project 30x 0.00390; gnomAD 0.00470; ESP Exome Variant Server 0.00500; TOPMed 0.00522.
gnomAD v4.1: 1,328 of 1,614,002 alleles (0.082%); highest among the groups gnomAD compares: African/African-American, 1.6%; 15 homozygotes.

Submission:

PreventionGenetics, part of Exact Sciences
Classification: Benign for COL15A1-related condition. Last evaluated: 2019-11-26. Review status: no assertion criteria provided. Collection method: clinical testing. Allele origin: germline.
Comment: This variant is classified as benign based on ACMG/AMP sequence variant interpretation guidelines (Richards et al. 2015 PMID: 25741868, with internal and published modifications).